The following is an entry in ClinVar:

NM_020919.4(ALS2):c.1919G>A (p.Arg640Gln)

Gene: ALS2 (alsin Rho guanine nucleotide exchange factor ALS2; minus strand). Cytogenetic location: 2q33.1.
Variant type: single nucleotide variant.
Coding change: c.1919G>A on transcript NM_020919.4 (MANE Select); coding-DNA position 1919, G replaced by A.
Protein change: p.Arg640Gln; replaces arginine 640 with glutamine.
Molecular consequence: missense variant.
Genome position (GRCh38, 1-based): chr2:201,746,645, C>T on the plus strand (G>A on the coding strand, the complement: ALS2 is on the minus strand). VCF-style: chr2-201746645-C-T. GRCh37 (hg19) VCF-style: chr2-202611368-C-T.
Other names: c.1919G>A, p.Arg640Gln (NM_001410975.1); short protein forms R640Q.
Identifiers: ClinVar variation 2148552 (VCV002148552.2), dbSNP rs778055658, ClinGen allele CA2058321.

ClinVar aggregate classification (germline): Uncertain significance (1 of 4 stars; one submission).

Conditions:
Infantile-onset ascending hereditary spastic paralysis (IAHSP). Also called: Infantile-Onset Ascending Hereditary Spastic Paralysis (IAHSP); Autosomal Recessive Juvenile Amyotrophic Lateral Sclerosis. Identifiers: Orphanet 293168, MedGen C2931441, MONDO:0011797, OMIM 607225. Disease mechanism: loss of function.

Allele frequency attached by ClinVar (database versions not stated): gnomAD 0.00001; ExAC 0.00002.
gnomAD v4.1: 12 of 1,614,010 alleles (0.00074%); highest among the groups gnomAD compares: South Asian, 0.0044%; no homozygotes.

Submission:

Labcorp Genetics (formerly Invitae), Labcorp
Classification: Uncertain significance for Infantile-onset ascending hereditary spastic paralysis. Last evaluated: 2022-07-23. Review status: criteria provided, single submitter. Criteria: Invitae Variant Classification Sherloc (09022015). Collection method: clinical testing. Allele origin: germline.
Comment: In summary, the available evidence is currently insufficient to determine the role of this variant in disease. Therefore, it has been classified as a Variant of Uncertain Significance. Algorithms developed to predict the effect of missense changes on protein structure and function (SIFT, PolyPhen-2, Align-GVGD) all suggest that this variant is likely to be tolerated. This variant has not been reported in the literature in individuals affected with ALS2-related conditions. This variant is present in population databases (rs778055658, gnomAD 0.003%). This sequence change replaces arginine, which is basic and polar, with glutamine, which is neutral and polar, at codon 640 of the ALS2 protein (p.Arg640Gln).